The following is an entry in ClinVar:

ClinVar aggregate classification (germline): Uncertain significance (1 of 4 stars; one submission).

Conditions:
Progressive familial heart block type IB (PFHB1B). Identifiers: Orphanet 871, MedGen C1970298, MONDO:0011474, OMIM 604559.

Submission:

Labcorp Genetics (formerly Invitae), Labcorp
Classification: Uncertain significance for Progressive familial heart block type IB. Last evaluated: 2024-10-05. Review status: criteria provided, single submitter. Criteria: Invitae Variant Classification Sherloc (09022015). Collection method: clinical testing. Allele origin: germline.
Comment: This sequence change creates a premature translational stop signal (p.Gly844Alafs*9) in the TRPM4 gene. It is expected to result in an absent or disrupted protein product. However, the current clinical and genetic evidence is not sufficient to establish whether loss-of-function variants in TRPM4 cause disease. This variant is not present in population databases (gnomAD no frequency). This variant has not been reported in the literature in individuals affected with TRPM4-related conditions. ClinVar contains an entry for this variant (Variation ID: 2090428). In summary, the available evidence is currently insufficient to determine the role of this variant in disease. Therefore, it has been classified as a Variant of Uncertain Significance.

NM_017636.4(TRPM4):c.2531del (p.Gly844fs)

Gene: TRPM4 (transient receptor potential cation channel subfamily M member 4; plus strand). Cytogenetic location: 19q13.33.
Variant type: Deletion.
Coding change: c.2531del on transcript NM_017636.4 (MANE Select); coding-DNA position 2531, one base deleted (G; older notation c.2531delG).
Protein change: p.Gly844fs; shifts the reading frame from glycine 844.
Molecular consequence: frameshift variant. On other transcripts: intron variant (1).
Genome position (GRCh38, 1-based): chr19:49,196,760, G deleted; the last of 5 consecutive G bases (chr19:49,196,756-49,196,760); deleting any one gives the same sequence. VCF-style (leftmost placement, unchanged base first): chr19-49196755-CG-C. GRCh37 (hg19) VCF-style: chr19-49700012-CG-C.
Other names: c.2186del, p.Gly729fs (NM_001321281.2); c.923del, p.Gly308fs (NM_001321282.2); c.2009del, p.Gly670fs (NM_001321283.2); c.1469del, p.Gly490fs (NM_001321285.2); c.2211-3540del (NM_001195227.2); short protein forms G490fs, G670fs, G844fs, G729fs, G308fs.
Identifiers: ClinVar variation 2090428 (VCV002090428.4), dbSNP rs1968665020, ClinGen allele CA2340287321.